The following is an entry in ClinVar:

NM_001013838.3(CARMIL2):c.2570A>T (p.Asp857Val)

Gene: CARMIL2 (capping protein regulator and myosin 1 linker 2; plus strand). Cytogenetic location: 16q22.1.
Variant type: single nucleotide variant.
Coding change: c.2570A>T on transcript NM_001013838.3 (MANE Select); coding-DNA position 2570, A replaced by T.
Protein change: p.Asp857Val; replaces aspartic acid 857 with valine.
Molecular consequence: missense variant.
Genome position (GRCh38, 1-based): chr16:67,651,827, A>T. VCF-style: chr16-67651827-A-T. GRCh37 (hg19) VCF-style: chr16-67685730-A-T.
Other names: p.Asp857Val; c.2462A>T, p.Asp821Val (NM_001317026.3); c.2570A>T (NM_001013838.1); short protein forms D821V, D857V.
Identifiers: ClinVar variation 1168990 (VCV001168990.37), dbSNP rs62059341, ClinGen allele CA8113814.

ClinVar aggregate classification (germline): Conflicting classifications of pathogenicity. Review status: criteria provided, conflicting classifications (1 of 4 stars). 5 submissions from 5 submitters: Uncertain significance (1); Benign (3); Likely benign (1). Last evaluated 2026-09-01.

Allele frequency attached by ClinVar (database versions not stated): 1000 Genomes Project 30x 0.00281; 1000 Genomes Project 0.00319; ESP Exome Variant Server 0.00599.
gnomAD v4.1: 11,637 of 1,612,308 alleles (0.72%); highest among the groups gnomAD compares: Non-Finnish European, 0.82%; 64 homozygotes.

Submissions (5):

CeGaT Center for Human Genetics Tuebingen
Classification: Likely benign. Last evaluated: 2026-09-01. Review status: criteria provided, single submitter. Criteria: CeGaT Center For Human Genetics Tuebingen Variant Classification Criteria Version 2. Collection method: clinical testing. Allele origin: germline. Affected: yes. Observed: 14 variant alleles.
Comment: CARMIL2: BP4, BS2

Labcorp Genetics (formerly Invitae), Labcorp
Classification: Benign. Last evaluated: 2026-02-01. Review status: criteria provided, single submitter. Criteria: Invitae Variant Classification Sherloc (09022015). Collection method: clinical testing. Allele origin: germline.

GeneDx
Classification: Uncertain significance. Last evaluated: 2024-08-18. Review status: criteria provided, single submitter. Criteria: GeneDx Variant Classification Process June 2021. Collection method: clinical testing. Allele origin: germline. Affected: yes.
Comment: In silico analysis supports that this missense variant has a deleterious effect on protein structure/function; Has not been previously published as pathogenic or benign to our knowledge

Mayo Clinic Laboratories, Mayo Clinic
Classification: Benign. Last evaluated: 2023-09-14. Review status: criteria provided, single submitter. Criteria: ACMG Guidelines, 2015. Collection method: clinical testing. Allele origin: germline. Observed: 2 variant alleles.
Comment: BS1, BS2

Breakthrough Genomics
Classification: Benign. Review status: criteria provided, single submitter. Criteria: ACMG Guidelines, 2015. Collection method: not provided. Allele origin: germline. Inheritance: Autosomal recessive inheritance. Affected: yes.